The following is an entry in ClinVar:

ClinVar aggregate classification (germline): Uncertain significance (1 of 4 stars; one submission).

Conditions:
Dilated cardiomyopathy 1G (CMD1G). Identifiers: Orphanet 154, MedGen C1858763, MONDO:0011400, OMIM 604145.
Autosomal recessive limb-girdle muscular dystrophy type 2J (LGMDR10). Also called: Limb-girdle muscular dystrophy, type 2J; MUSCULAR DYSTROPHY, LIMB-GIRDLE, AUTOSOMAL RECESSIVE 10. Identifiers: Orphanet 140922, MedGen C1837342, MONDO:0012127, OMIM 608807.

Submission:

Labcorp Genetics (formerly Invitae), Labcorp
Classification: Uncertain significance for Dilated cardiomyopathy 1G; Autosomal recessive limb-girdle muscular dystrophy type 2J. Last evaluated: 2026-01-09. Review status: criteria provided, single submitter. Criteria: Invitae Variant Classification Sherloc (09022015). Collection method: clinical testing. Allele origin: germline.
Comment: This sequence change replaces lysine, which is basic and polar, with glutamic acid, which is acidic and polar, at codon 35327 of the TTN protein (p.Lys35327Glu). This variant is not present in population databases (gnomAD no frequency). This variant has not been reported in the literature in individuals affected with TTN-related conditions. Experimental studies and prediction algorithms are not available or were not evaluated, and the functional significance of this variant is currently unknown. This variant is located in the M band of TTN (PMID: 25589632). Non-truncating variants in this region may be relevant for neuromuscular disorders, but have not been definitively shown to cause cardiomyopathy (PMID: 23975875). In summary, the available evidence is currently insufficient to determine the role of this variant in disease. Therefore, it has been classified as a Variant of Uncertain Significance.

Literature cited by the submitters: PubMed 25589632; PubMed 23975875.

NM_001267550.2(TTN):c.105979A>G (p.Lys35327Glu)

Genes: TTN-AS1 (TTN antisense RNA 1; plus strand), TTN (titin; minus strand). Cytogenetic location: 2q31.2.
Variant type: single nucleotide variant.
Coding change: c.105979A>G on transcript NM_001267550.2 (MANE Select); coding-DNA position 105979, A replaced by G.
Protein change: p.Lys35327Glu; replaces lysine 35327 with glutamic acid.
Molecular consequence: missense variant.
Genome position (GRCh38, 1-based): chr2:178,530,636, T>C on the plus strand (A>G on the coding strand, the complement: TTN is on the minus strand). VCF-style: chr2-178530636-T-C. GRCh37 (hg19) VCF-style: chr2-179395363-T-C.
Other names: c.101056A>G, p.Lys33686Glu (NM_001256850.1); c.78784A>G, p.Lys26262Glu (NM_003319.4); c.98275A>G, p.Lys32759Glu (NM_133378.4); c.79159A>G, p.Lys26387Glu (NM_133432.3); c.79360A>G, p.Lys26454Glu (NM_133437.4); short protein forms K32759E, K35327E, K26262E, K26387E, K26454E, K33686E.
Identifiers: ClinVar variation 4784026 (VCV004784026.1).